The following is an entry in ClinVar:

ClinVar aggregate classification (germline): Pathogenic (1 of 4 stars; one submission).

Conditions:
Miyoshi muscular dystrophy 1 (MMD1). Identifiers: Orphanet 45448, MedGen C4551973, MONDO:0024545, OMIM 254130.
Autosomal recessive limb-girdle muscular dystrophy type 2B (LGMDR2). Also called: MUSCULAR DYSTROPHY, LIMB-GIRDLE, AUTOSOMAL RECESSIVE 2; Limb-girdle muscular dystrophy, type 2B; MUSCULAR DYSTROPHY, LIMB-GIRDLE, TYPE 3; Limb-Girdle Muscular Dystrophy Type 2B (LGMD2B). Identifiers: Orphanet 268, MedGen C1850889, MONDO:0009676, OMIM 253601.
Distal myopathy with anterior tibial onset. Identifiers: Orphanet 178400, MedGen C1847532, MONDO:0011721, OMIM 606768.

Submission:

Diagnostics Services (NGS), CSIR - Centre For Cellular And Molecular Biology
Classification: Pathogenic for Miyoshi muscular dystrophy 1; Autosomal recessive limb-girdle muscular dystrophy type 2B; Distal myopathy with anterior tibial onset. Last evaluated: 2022-09-21. Review status: criteria provided, single submitter. Criteria: ACMG Guidelines, 2015. Collection method: clinical testing. Allele origin: unknown. Affected: yes. Observed: 1 variant allele, 1 heterozygote.
Comment: The c.5680_5681insC variant is not present in publicly available population databases like 1000 Genomes, EVS, ExAC, gnomAD, Indian Exome Database or in our in-house exome database. The variant has neither been published nor reported to ClinVar, HGMD or OMIM, in any affected individuals. Other alternative variants at this position have been observed in affected individuals and reported to HGMD (IDs: CD1212208, CM116695). In silico pathogenicity prediction programs like SIFT, PolyPhen 2, Mutation Taster, CADD, Varsome, Franklin etc. predicted this variant to be likely deleterious.

NM_001130987.2(DYSF):c.5680_5681insC (p.Asp1894fs)

Gene: DYSF (dysferlin; plus strand). Cytogenetic location: 2p13.2.
Variant type: Insertion.
Coding change: c.5680_5681insC on transcript NM_001130987.2 (MANE Select); coding-DNA positions 5680 to 5681, C inserted.
Protein change: p.Asp1894fs; shifts the reading frame from aspartic acid 1894.
Molecular consequence: frameshift variant.
Genome position: GRCh38 VCF-style: chr2-71669642-G-GC. GRCh37 (hg19) VCF-style: chr2-71896772-G-GC.
Other names: c.5566_5567insC, p.Asp1856fs (NM_001130455.2); c.5521_5522insC, p.Asp1841fs (NM_001130976.2); c.5584_5585insC, p.Asp1862fs (NM_001130977.2); c.5626_5627insC, p.Asp1876fs (NM_001130978.2); c.5656_5657insC, p.Asp1886fs (NM_001130979.2); c.5614_5615insC, p.Asp1872fs (NM_001130980.2); c.5677_5678insC, p.Asp1893fs (NM_001130981.2); c.5659_5660insC, p.Asp1887fs (NM_001130982.2); and 5 more; short protein forms D1841fs, D1842fs, D1855fs, D1856fs, D1862fs, D1863fs, D1872fs, D1873fs.
Identifiers: ClinVar variation 1802250 (VCV001802250.3), dbSNP rs2546579425, ClinGen allele CA2580067847.